The following is an entry in ClinVar:

ClinVar aggregate classification (germline): Uncertain significance. Review status: criteria provided, multiple submitters, no conflicts (2 of 4 stars). 2 submissions from 2 submitters: Uncertain significance (2). Last evaluated 2024-08-23.

Conditions:
Familial thoracic aortic aneurysm and aortic dissection (TAAD). Also called: Thoracic aortic aneurysms and dissections. Identifiers: Orphanet 91387, MedGen C4707243, MONDO:0019625.
Shprintzen-Goldberg syndrome (SGS). Also called: SHPRINTZEN-GOLDBERG CRANIOSYNOSTOSIS SYNDROME; CRANIOSYNOSTOSIS WITH ARACHNODACTYLY AND ABDOMINAL HERNIAS; Marfanoid disorder with craniosynostosis type 1; Marfanoid craniosynostosis syndrome; Shprintzen-Goldberg marfanoid syndrome. Identifiers: Orphanet 2462, MedGen C1321551, MONDO:0008426, OMIM 182212.

gnomAD v4.1: 4 of 1,612,538 alleles (0.00025%); highest among the groups gnomAD compares: Non-Finnish European, 0.00034%; no homozygotes.

Submissions (2):

Ambry Genetics
Classification: Uncertain significance for Familial thoracic aortic aneurysm and aortic dissection. Last evaluated: 2024-08-23. Review status: criteria provided, single submitter. Criteria: Ambry Variant Classification Scheme 2023. Collection method: clinical testing. Allele origin: germline.
Comment: The p.P462S variant (also known as c.1384C>T), located in coding exon 4 of the SKI gene, results from a C to T substitution at nucleotide position 1384. The proline at codon 462 is replaced by serine, an amino acid with similar properties. This amino acid position is conserved. In addition, this alteration is predicted to be tolerated by in silico analysis. Based on the available evidence, the clinical significance of this variant remains unclear.

ARUP Laboratories, Molecular Genetics and Genomics, ARUP Laboratories
Classification: Uncertain significance for Shprintzen-Goldberg syndrome. Last evaluated: 2024-07-02. Review status: criteria provided, single submitter. Criteria: ARUP Molecular Germline Variant Investigation Process 2024. Collection method: clinical testing. Allele origin: germline.
Comment: The SKI c.1384C>T; p.Pro462Ser variant, to our knowledge, is not reported in the medical literature or gene specific databases. This variant is also absent from the Genome Aggregation Database (v2.1.1), indicating it is not a common polymorphism. Computational analyses are uncertain whether this variant is neutral or deleterious (REVEL: 0.177). Due to limited information, the clinical significance of this variant is uncertain at this time.

NM_003036.4(SKI):c.1384C>T (p.Pro462Ser)

Gene: SKI (SKI proto-oncogene; plus strand). Cytogenetic location: 1p36.32.
Variant type: single nucleotide variant.
Coding change: c.1384C>T on transcript NM_003036.4 (MANE Select); coding-DNA position 1384, C replaced by T.
Protein change: p.Pro462Ser; replaces proline 462 with serine.
Molecular consequence: missense variant.
Genome position (GRCh38, 1-based): chr1:2,304,012, C>T. VCF-style: chr1-2304012-C-T. GRCh37 (hg19) VCF-style: chr1-2235451-C-T.
Other names: short protein forms P462S.
Identifiers: ClinVar variation 3442291 (VCV003442291.2).